The following is an entry in ClinVar:

NM_004329.3(BMPR1A):c.731dup (p.Tyr245fs)

Gene: BMPR1A (bone morphogenetic protein receptor type 1A; plus strand). Cytogenetic location: 10q23.2.
Variant type: Duplication.
Coding change: c.731dup on transcript NM_004329.3 (MANE Select); coding-DNA position 731, one base duplicated (G; older notation c.731dupG).
Protein change: p.Tyr245fs; shifts the reading frame from tyrosine 245.
Molecular consequence: frameshift variant.
Genome position (GRCh38, 1-based): chr10:86,917,189, G duplicated. VCF-style (leftmost placement, unchanged base first): chr10-86917188-C-CG. GRCh37 (hg19) VCF-style: chr10-88676945-C-CG.
Other names: c.731dupG (NM_004329.2); short protein forms Y245fs.
Identifiers: ClinVar variation 529921 (VCV000529921.8), dbSNP rs1554890759, ClinGen allele CA658797466.

ClinVar aggregate classification (germline): Pathogenic (1 of 4 stars; one submission).

Conditions:
Juvenile polyposis syndrome (JPS). Identifiers: Orphanet 2929, MedGen C0345893, MONDO:0017380, OMIM 174900.

Submission:

Labcorp Genetics (formerly Invitae), Labcorp
Classification: Pathogenic for Juvenile polyposis syndrome. Last evaluated: 2022-03-27. Review status: criteria provided, single submitter. Criteria: Invitae Variant Classification Sherloc (09022015). Collection method: clinical testing. Allele origin: germline.
Comment: This variant has not been reported in the literature in individuals affected with BMPR1A-related conditions. This variant is not present in population databases (gnomAD no frequency). This sequence change creates a premature translational stop signal (p.Tyr245Ilefs*23) in the BMPR1A gene. It is expected to result in an absent or disrupted protein product. Loss-of-function variants in BMPR1A are known to be pathogenic (PMID: 11536076, 12417513). For these reasons, this variant has been classified as Pathogenic. ClinVar contains an entry for this variant (Variation ID: 529921).

Literature cited by the submitters: PubMed 11536076; PubMed 12417513.